The following is an entry in ClinVar:

ClinVar aggregate classification (germline): Conflicting classifications of pathogenicity. Review status: criteria provided, conflicting classifications (1 of 4 stars). 2 submissions from 2 submitters: Uncertain significance (1); Likely benign (1). Last evaluated 2026-01-25.

Conditions:
Cardiovascular phenotype. Identifiers: MedGen CN230736.
Long QT syndrome (LQTS). Identifiers: MedGen C0023976, MeSH D008133, MONDO:0002442. Disease mechanism: loss of function. Inheritance: Various modes of inheritance.

Allele frequency attached by ClinVar (database versions not stated): TOPMed 0.00001; gnomAD 0.00003; ExAC 0.00007; gnomAD exomes 0.00007.
gnomAD v4.1: 98 of 1,613,916 alleles (0.0061%); highest among the groups gnomAD compares: South Asian, 0.04%; no homozygotes.

Submissions (2):

Labcorp Genetics (formerly Invitae), Labcorp
Classification: Uncertain significance for Long QT syndrome. Last evaluated: 2026-01-25. Review status: criteria provided, single submitter. Criteria: Invitae Variant Classification Sherloc (09022015). Collection method: clinical testing. Allele origin: germline.
Comment: This sequence change replaces alanine, which is neutral and non-polar, with threonine, which is neutral and polar, at codon 2568 of the AKAP9 protein (p.Ala2568Thr). This variant is present in population databases (rs762175660, gnomAD 0.04%). This variant has not been reported in the literature in individuals affected with AKAP9-related conditions. ClinVar contains an entry for this variant (Variation ID: 1760224). An algorithm developed to predict the effect of missense changes on protein structure and function (PolyPhen-2) suggests that this variant is likely to be tolerated. In summary, the available evidence is currently insufficient to determine the role of this variant in disease. Therefore, it has been classified as a Variant of Uncertain Significance.

Ambry Genetics
Classification: Likely benign for Cardiovascular phenotype. Last evaluated: 2023-10-26. Review status: criteria provided, single submitter. Criteria: Ambry Variant Classification Scheme 2023. Collection method: clinical testing. Allele origin: germline.

NM_005751.5(AKAP9):c.7702G>A (p.Ala2568Thr)

Gene: AKAP9 (A-kinase anchoring protein 9; plus strand). Cytogenetic location: 7q21.2.
Variant type: single nucleotide variant.
Coding change: c.7702G>A on transcript NM_005751.5 (MANE Select); coding-DNA position 7702, G replaced by A.
Protein change: p.Ala2568Thr; replaces alanine 2568 with threonine.
Molecular consequence: missense variant.
Genome position (GRCh38, 1-based): chr7:92,079,835, G>A. VCF-style: chr7-92079835-G-A. GRCh37 (hg19) VCF-style: chr7-91709149-G-A.
Other names: c.2347G>A, p.Ala783Thr (NM_001379277.1); c.7678G>A, p.Ala2560Thr (NM_147185.3); short protein forms A2568T, A783T, A2560T.
Identifiers: ClinVar variation 1760224 (VCV001760224.3), dbSNP rs762175660, ClinGen allele CA4337332.
Genomic context (GRCh38, chr7:92,079,835, plus strand): 5'-GAAGAAAAAGTGGCTGCTGCTCTTGTCAGTCAAATCCAACTTGAGGCAGTTCAGGAATAT[G>A]CAAAATTCTGTCAAGATAATCAAACAATTTCATCAGAACCTGAAAGAACAAATATTCAGA-3'
Protein context (NP_005742.4, residues 2558-2578): QIQLEAVQEY[Ala2568Thr]KFCQDNQTIS